The following is an entry in ClinVar:

NM_017514.5(PLXNA3):c.2685G>A (p.Val895=)

Gene: PLXNA3 (plexin A3; plus strand). Cytogenetic location: Xq28.
Variant type: single nucleotide variant.
Coding change: c.2685G>A on transcript NM_017514.5 (MANE Select); coding-DNA position 2685, G replaced by A.
Protein change: p.Val895=; no amino-acid change (valine 895 retained).
Molecular consequence: synonymous variant.
Genome position (GRCh38, 1-based): chrX:154,466,156, G>A. VCF-style: chrX-154466156-G-A. GRCh37 (hg19) VCF-style: chrX-153694499-G-A.
Identifiers: ClinVar variation 4982654 (VCV004982654.1).

ClinVar aggregate classification (germline): Likely benign (1 of 4 stars; one submission).

Conditions:
PLXNA3-related disorder. Also called: PLXNA3-related condition.

gnomAD v4.1: 9 of 1,209,508 alleles (0.00074%); highest among the groups gnomAD compares: South Asian, 0.0018%; no homozygotes.

Submission:

PreventionGenetics, part of Exact Sciences
Classification: Likely benign for PLXNA3-related condition. Last evaluated: 2025-11-05. Review status: criteria provided, single submitter. Criteria: ACMG Guidelines, 2015. Collection method: clinical testing. Allele origin: germline.
Comment: This variant is classified as likely benign based on ACMG/AMP sequence variant interpretation guidelines (Richards et al. 2015 PMID: 25741868, with internal and published modifications).